The following is an entry in ClinVar:

NM_001723.7(DST):c.6486A>G (p.Ile2162Met)

Gene: DST (dystonin; minus strand). Cytogenetic location: 6p12.1.
Variant type: single nucleotide variant.
Coding change: c.6486A>G on transcript NM_001723.7 (MANE Plus Clinical); coding-DNA position 6486, A replaced by G.
Protein change: p.Ile2162Met; replaces isoleucine 2162 with methionine.
Molecular consequence: missense variant. On other transcripts: intron variant (10).
Genome position (GRCh38, 1-based): chr6:56,616,981, T>C on the plus strand (A>G on the coding strand, the complement: DST is on the minus strand). VCF-style: chr6-56616981-T-C. GRCh37 (hg19) VCF-style: chr6-56481779-T-C.
Other names: c.4831-2497A>G (NM_001144769.5); c.4930-2497A>G (NM_001374722.1, NM_001374736.1); c.4957-2497A>G (NM_001374734.1); c.4417-2497A>G (NM_001144770.2); c.4297-2497A>G (NM_001374730.1, NM_001386100.1, NM_183380.4 and 1 more transcripts); c.3319-2497A>G (NM_015548.5); short protein forms I2162M.
Identifiers: ClinVar variation 857723 (VCV000857723.9), dbSNP rs966512494, ClinGen allele CA139208049.

ClinVar aggregate classification (germline): Uncertain significance (1 of 4 stars; one submission).

Conditions:
Epidermolysis bullosa simplex 3, localized or generalized intermediate, with BP230 deficiency (EBS3). Also called: Epidermolysis bullosa simplex due to BP230 deficiency; Epidermolysis bullosa simplex, autosomal recessive 2. Identifiers: Orphanet 412181, MedGen C3809470, MONDO:0014180, OMIM 615425.
Hereditary sensory and autonomic neuropathy type 6. Also called: HSAN VI; Neuropathy, hereditary sensory and autonomic, type VI. Identifiers: Orphanet 314381, MedGen C3539003, MONDO:0013839, OMIM 614653.

Allele frequency attached by ClinVar (database versions not stated): gnomAD exomes below 0.00001 and 0.00001.
gnomAD v4.1: 13 of 1,607,552 alleles (0.00081%); highest among the groups gnomAD compares: Non-Finnish European, 0.0011%; no homozygotes.

Submission:

Labcorp Genetics (formerly Invitae), Labcorp
Classification: Uncertain significance for Epidermolysis bullosa simplex 3, localized or generalized intermediate, with BP230 deficiency; Hereditary sensory and autonomic neuropathy type 6. Last evaluated: 2019-02-14. Review status: criteria provided, single submitter. Criteria: Invitae Variant Classification Sherloc (09022015). Collection method: clinical testing. Allele origin: germline.
Comment: This sequence change replaces isoleucine with methionine at codon 2162 of the DST protein (p.Ile2162Met). The isoleucine residue is highly conserved and there is a small physicochemical difference between isoleucine and methionine. This variant is not present in population databases (ExAC no frequency). This variant has not been reported in the literature in individuals with DST-related conditions. Algorithms developed to predict the effect of missense changes on protein structure and function are either unavailable or do not agree on the potential impact of this missense change (SIFT: "Deleterious"; PolyPhen-2: "Probably Damaging"; Align-GVGD: "Class C0"). In summary, the available evidence is currently insufficient to determine the role of this variant in disease. Therefore, it has been classified as a Variant of Uncertain Significance.